The following is an entry in ClinVar:

ClinVar aggregate classification (germline): Uncertain significance (1 of 4 stars; one submission).

Submission:

GeneDx
Classification: Uncertain significance. Last evaluated: 2026-02-17. Review status: criteria provided, single submitter. Criteria: GeneDx Variant Classification Process June 2021. Collection method: clinical testing. Allele origin: germline.
Comment: Not observed at significant frequency in large population cohorts (gnomAD); In silico analysis suggests that this missense variant does not alter protein structure/function; Has not been previously published as pathogenic or benign to our knowledge.

NM_024496.4(IRF2BPL):c.869C>A (p.Pro290Gln)

Gene: IRF2BPL (interferon regulatory factor 2 binding protein like; minus strand). Cytogenetic location: 14q24.3.
Variant type: single nucleotide variant.
Coding change: c.869C>A on transcript NM_024496.4 (MANE Select); coding-DNA position 869, C replaced by A.
Protein change: p.Pro290Gln; replaces proline 290 with glutamine.
Molecular consequence: missense variant.
Genome position (GRCh38, 1-based): chr14:77,026,924, G>T on the plus strand (C>A on the coding strand, the complement: IRF2BPL is on the minus strand). VCF-style: chr14-77026924-G-T. GRCh37 (hg19) VCF-style: chr14-77493267-G-T.
Other names: short protein forms P290Q.
Identifiers: ClinVar variation 4976357 (VCV004976357.1).